The following is an entry in ClinVar:

ClinVar aggregate classification (germline): Uncertain significance (1 of 4 stars; one submission).

Conditions:
Aortic valve disease 2 (AOVD2). Identifiers: MedGen C3542024, MONDO:0013902, OMIM 614823.

Submission:

Labcorp Genetics (formerly Invitae), Labcorp
Classification: Uncertain significance for Aortic valve disease 2. Last evaluated: 2023-06-14. Review status: criteria provided, single submitter. Criteria: Invitae Variant Classification Sherloc (09022015). Collection method: clinical testing. Allele origin: germline.
Comment: This variant, c.89_103dup, results in the insertion of 5 amino acid(s) of the SMAD6 protein (p.Gly30_Asp34dup), but otherwise preserves the integrity of the reading frame. This variant is not present in population databases (gnomAD no frequency). This variant has not been reported in the literature in individuals affected with SMAD6-related conditions. In summary, the available evidence is currently insufficient to determine the role of this variant in disease. Therefore, it has been classified as a Variant of Uncertain Significance.

NM_005585.5(SMAD6):c.89_103dup (p.Asp34_Glu35insGlyGlyGlyGlyAsp)

Gene: SMAD6 (SMAD family member 6; plus strand). Cytogenetic location: 15q22.31.
Variant type: Duplication.
Coding change: c.89_103dup on transcript NM_005585.5 (MANE Select); coding-DNA positions 89 to 103, 15 bases duplicated (GCGGTGGCGGCGACG).
Protein change: p.Asp34_Glu35insGlyGlyGlyGlyAsp.
Molecular consequence: inframe insertion. On other transcripts: non-coding transcript variant (1).
Genome position (GRCh38, 1-based): chr15:66,703,347-66,703,361, GCGGTGGCGGCGACG duplicated; duplicating any 15 consecutive bases within chr15:66,703,345-66,703,361 gives the same sequence; the c. name uses the placement nearest the transcript's 3' end. VCF-style (leftmost placement, unchanged base first): chr15-66703344-G-GCGGCGGTGGCGGCGA. GRCh37 (hg19) VCF-style: chr15-66995682-G-GCGGCGGTGGCGGCGA.
Identifiers: ClinVar variation 2777885 (VCV002777885.3), dbSNP rs2545310499, ClinGen allele CA2595125980.
Genomic context (GRCh38, chr15:66,703,344, plus strand): 5'-TGGTGCGGCGACTTTGGCGAAGTCGTGTGGTCCCCGACCGGGAGGAAGGCGGCAGCGGCG[G>GCGGCGGTGGCGGCGA]CGGCGGTGGCGGCGACGAGGATGGGAGCTTGGGCAGCCGAGCTGAGCCGGCCCCGCGGGC-3'